The following is an entry in ClinVar:

ClinVar aggregate classification (germline): Likely pathogenic. Review status: criteria provided, multiple submitters, no conflicts (2 of 4 stars). 2 submissions from 2 submitters: Likely pathogenic (2). Last evaluated 2022-12-16.

Conditions:
CACNA1F-related disorder. Also called: CACNA1F-related condition.

Submissions (2):

GeneDx
Classification: Likely pathogenic. Last evaluated: 2022-12-16. Review status: criteria provided, single submitter. Criteria: GeneDx Variant Classification Process June 2021. Collection method: clinical testing. Allele origin: germline. Affected: yes.
Comment: Not observed at significant frequency in large population cohorts (gnomAD); In silico analysis supports that this missense variant has a deleterious effect on protein structure/function; This variant is associated with the following publications: (PMID: 23219801, 12111638, 25307992, 19578023, 30825406)

Blueprint Genetics
Classification: Likely pathogenic for CACNA1F-related disorders. Last evaluated: 2019-08-06. Review status: criteria provided, single submitter. Criteria: ACMG Guidelines, 2015. Collection method: clinical testing. Allele origin: germline. Affected: yes. Observed: 2 variant alleles.

NM_001256789.3(CACNA1F):c.4490T>C (p.Leu1497Pro)

Genes: CACNA1F (calcium voltage-gated channel subunit alpha1 F; minus strand), LOC126863257 (BRD4-independent group 4 enhancer GRCh37_chrX:49065732-49066931; plus strand). Cytogenetic location: Xp11.23.
Variant type: single nucleotide variant.
Coding change: c.4490T>C on transcript NM_001256789.3 (MANE Select); coding-DNA position 4490, T replaced by C.
Protein change: p.Leu1497Pro; replaces leucine 1497 with proline.
Molecular consequence: missense variant.
Genome position (GRCh38, 1-based): chrX:49,210,399, A>G on the plus strand (T>C on the coding strand, the complement: CACNA1F is on the minus strand). VCF-style: chrX-49210399-A-G. GRCh37 (hg19) VCF-style: chrX-49066859-A-G.
Other names: c.4328T>C, p.Leu1443Pro (NM_001256790.3); c.4523T>C, p.Leu1508Pro (NM_005183.4); short protein forms L1443P, L1497P, L1508P.
Identifiers: ClinVar variation 866413 (VCV000866413.3), dbSNP rs2065644808, ClinGen allele CA412960895.